The following is an entry in ClinVar:

ClinVar aggregate classification (germline): Uncertain significance (1 of 4 stars; one submission).

Conditions:
Cardiovascular phenotype. Identifiers: MedGen CN230736.

gnomAD v4.1: 1 of 1,613,902 alleles (0.000062%); highest among the groups gnomAD compares: Non-Finnish European, 0.000085%; no homozygotes.

Submission:

Ambry Genetics
Classification: Uncertain significance for Cardiovascular phenotype. Last evaluated: 2026-07-04. Review status: criteria provided, single submitter. Criteria: Ambry Variant Classification Scheme 2023. Collection method: clinical testing. Allele origin: germline.
Comment: The p.D951G variant (also known as c.2852A>G), located in coding exon 23 of the JAG1 gene, results from an A to G substitution at nucleotide position 2852. The aspartic acid at codon 951 is replaced by glycine, an amino acid with similar properties. This amino acid position is conserved. In addition, this alteration is predicted to be tolerated by in silico analysis. Based on the available evidence, the clinical significance of this variant remains unclear.

NM_000214.3(JAG1):c.2852A>G (p.Asp951Gly)

Gene: JAG1 (jagged canonical Notch ligand 1; minus strand). Cytogenetic location: 20p12.2.
Variant type: single nucleotide variant.
Coding change: c.2852A>G on transcript NM_000214.3 (MANE Select); coding-DNA position 2852, A replaced by G.
Protein change: p.Asp951Gly; replaces aspartic acid 951 with glycine.
Molecular consequence: missense variant.
Genome position (GRCh38, 1-based): chr20:10,641,524, T>C on the plus strand (A>G on the coding strand, the complement: JAG1 is on the minus strand). VCF-style: chr20-10641524-T-C. GRCh37 (hg19) VCF-style: chr20-10622172-T-C.
Other names: short protein forms D951G.
Identifiers: ClinVar variation 5022871 (VCV005022871.1).
Genomic context (GRCh38, chr20:10,641,524, plus strand): 5'-GACATCATCTCCTTGTTAAAGGTAAATGTGATGTTCGCACAGTTATCCTGGTAATAGGAG[T>C]CAGAGGTGCACTTTGTCTTCACCGGCTGGAGACTGGAAGACCGACACTCGCCCACACCAG-3'
Protein context (NP_000205.1, residues 941-961): LQPVKTKCTS[Asp951Gly]SYYQDNCANI